The following is an entry in ClinVar:

ClinVar aggregate classification (germline): Uncertain significance (1 of 4 stars; one submission).

Submission:

GeneDx
Classification: Uncertain significance. Last evaluated: 2017-01-11. Review status: criteria provided, single submitter. Criteria: GeneDx Variant Classification (06012015). Collection method: clinical testing. Allele origin: germline. Affected: yes.
Comment: The A468D variant in the SDHA gene has not been reported previously as a pathogenic variant, nor as a benign variant, to our knowledge. The A468D variant was not observed in approximately 6,500 individuals of European and African American ancestry in the NHLBI Exome Sequencing Project, indicating it is not a common benign variant in these populations. The A468D variant is a non-conservative amino acid substitution, which is likely to impact secondary protein structure as these residues differ in polarity, charge, size and/or other properties. This substitution occurs at a position that is conserved across species. In silico analysis predicts this variant is probably damaging to the protein structure/function. We interpret A468D as a variant of uncertain significance.

NM_004168.4(SDHA):c.1403C>A (p.Ala468Asp)

Gene: SDHA (succinate dehydrogenase complex flavoprotein subunit A; plus strand). Cytogenetic location: 5p15.33.
Variant type: single nucleotide variant.
Coding change: c.1403C>A on transcript NM_004168.4 (MANE Select); coding-DNA position 1403, C replaced by A.
Protein change: p.Ala468Asp; replaces alanine 468 with aspartic acid.
Molecular consequence: missense variant.
Genome position (GRCh38, 1-based): chr5:236,570, C>A. VCF-style: chr5-236570-C-A. GRCh37 (hg19) VCF-style: chr5-236685-C-A.
Other names: c.1259C>A, p.Ala420Asp (NM_001294332.2); c.1403C>A, p.Ala468Asp (NM_001330758.2); short protein forms A468D, A420D.
Identifiers: ClinVar variation 392794 (VCV000392794.2), dbSNP rs1057524636, ClinGen allele CA16604787.